The following is an entry in ClinVar:

NM_001042681.2(RERE):c.3220G>A (p.Ala1074Thr)

Gene: RERE (arginine-glutamic acid dipeptide repeats; minus strand). Cytogenetic location: 1p36.23.
Variant type: single nucleotide variant.
Coding change: c.3220G>A on transcript NM_001042681.2 (MANE Select); coding-DNA position 3220, G replaced by A.
Protein change: p.Ala1074Thr; replaces alanine 1074 with threonine.
Molecular consequence: missense variant.
Genome position (GRCh38, 1-based): chr1:8,360,287, C>T on the plus strand (G>A on the coding strand, the complement: RERE is on the minus strand). VCF-style: chr1-8360287-C-T. GRCh37 (hg19) VCF-style: chr1-8420347-C-T.
Other names: c.1558G>A, p.Ala520Thr (NM_001042682.2); c.3220G>A, p.Ala1074Thr (NM_012102.4); short protein forms A1074T, A520T.
Identifiers: ClinVar variation 3366358 (VCV003366358.1).

ClinVar aggregate classification (germline): Uncertain significance (1 of 4 stars; one submission).

gnomAD v4.1: 2 of 1,560,368 alleles (0.00013%); highest among the groups gnomAD compares: Admixed American, 0.0037%; no homozygotes.

Submission:

Women's Health and Genetics/Laboratory Corporation of America, LabCorp
Classification: Uncertain significance. Last evaluated: 2024-08-09. Review status: criteria provided, single submitter. Criteria: LabCorp Variant Classification Summary - May 2015. Collection method: clinical testing. Allele origin: germline.
Comment: Variant summary: RERE c.3220G>A (p.Ala1074Thr) results in a non-conservative amino acid change in the encoded protein sequence. Four of five in-silico tools predict a benign effect of the variant on protein function. The variant allele was found at a frequency of 6.3e-06 in 159812 control chromosomes. The available data on variant occurrences in the general population are insufficient to allow any conclusion about variant significance. To our knowledge, no occurrence of c.3220G>A in individuals affected with Neurodevelopmental Disorder With Or Without Anomalies Of The Brain, Eye, Or Heart and no experimental evidence demonstrating its impact on protein function have been reported. No submitters have cited clinical-significance assessments for this variant to ClinVar. Based on the evidence outlined above, the variant was classified as uncertain significance.